The following is an entry in ClinVar:

NM_000528.4(MAN2B1):c.1502G>C (p.Cys501Ser)

Gene: MAN2B1 (mannosidase alpha class 2B member 1; minus strand). Cytogenetic location: 19p13.13.
Variant type: single nucleotide variant.
Coding change: c.1502G>C on transcript NM_000528.4 (MANE Select); coding-DNA position 1502, G replaced by C.
Protein change: p.Cys501Ser; replaces cysteine 501 with serine.
Molecular consequence: missense variant.
Genome position (GRCh38, 1-based): chr19:12,656,974, C>G on the plus strand (G>C on the coding strand, the complement: MAN2B1 is on the minus strand). VCF-style: chr19-12656974-C-G. GRCh37 (hg19) VCF-style: chr19-12767788-C-G.
Other names: c.1499G>C, p.Cys500Ser (NM_001173498.2); c.1505G>C, p.Cys502Ser (NM_001440570.1); short protein forms C500S, C502S, C501S.
Identifiers: ClinVar variation 4525988 (VCV004525988.1).

ClinVar aggregate classification (germline): Uncertain significance (1 of 4 stars; one submission).

gnomAD v4.1: 10 of 1,613,644 alleles (0.00062%); highest among the groups gnomAD compares: Non-Finnish European, 0.00085%; no homozygotes.

Submission:

Women's Health and Genetics/Laboratory Corporation of America, LabCorp
Classification: Uncertain significance. Last evaluated: 2025-07-10. Review status: criteria provided, single submitter. Criteria: LabCorp Variant Classification Summary - May 2015. Collection method: clinical testing. Allele origin: germline.
Comment: Variant summary: MAN2B1 c.1502G>C (p.Cys501Ser) results in a non-conservative amino acid change in the encoded protein sequence. Algorithms developed to predict the effect of missense changes on protein structure and function all suggest that this variant is likely to be disruptive. The variant was absent in 250324 control chromosomes (gnomAD). The available data on variant occurrences in the general population are insufficient to allow any conclusion about variant significance. c.1502G>C has been observed in an individuals affected with Alpha-Mannosidosis with another VUS in cis and without a variant in trans specified (Kuokkanen_2011). This report does not provide unequivocal conclusions about association of the variant with Alpha-Mannosidosis. This publication also reports experimental evidence evaluating an impact on protein function, however, does not allow convincing conclusions about the variant effect. The following publication has been ascertained in the context of this evaluation (PMID: 21505070). No submitters have cited clinical-significance assessments for this variant to ClinVar. Based on the evidence outlined above, the variant was classified as uncertain significance.

Literature cited by the submitters: PubMed 21505070.